The following is an entry in ClinVar:

ClinVar aggregate classification (germline): Uncertain significance. Review status: criteria provided, multiple submitters, no conflicts (2 of 4 stars). 2 submissions from 2 submitters: Uncertain significance (2). Last evaluated 2024-08-07.

Conditions:
Cardiovascular phenotype. Identifiers: MedGen CN230736.
Hypercholesterolemia, autosomal dominant, type B (FHCL2). Also called: Familial Hypercholesterolemia Type B; APOLIPOPROTEIN B-100, FAMILIAL DEFECTIVE; APOLIPOPROTEIN B-100, FAMILIAL LIGAND-DEFECTIVE; HYPERCHOLESTEROLEMIA, FAMILIAL, DUE TO LIGAND-DEFECTIVE APOLIPOPROTEIN B; Familial hypercholesterolemia 2; APOB-Related Familial Hypercholesterolemia, Autosomal Dominant. Identifiers: MedGen C1704417, MONDO:0007751, OMIM 144010.
Familial hypobetalipoproteinemia 1. Also called: APOB-Related Familial Hypobetalipoproteinemia; Hypobetalipoproteinemia, normotriglyceridemic; Acanthocytosis with hypobetalipoproteinemia. Identifiers: MedGen C4551990, MONDO:0014252, OMIM 615558.

Allele frequency attached by ClinVar (database versions not stated): gnomAD exomes below 0.00001 and 0.00001; gnomAD 0.00001.

Submissions (2):

Labcorp Genetics (formerly Invitae), Labcorp
Classification: Uncertain significance for Familial hypobetalipoproteinemia 1; Hypercholesterolemia, autosomal dominant, type B. Last evaluated: 2024-08-07. Review status: criteria provided, single submitter. Criteria: Invitae Variant Classification Sherloc (09022015). Collection method: clinical testing. Allele origin: germline.
Comment: This sequence change replaces glutamine, which is neutral and polar, with lysine, which is basic and polar, at codon 4180 of the APOB protein (p.Gln4180Lys). The frequency data for this variant in the population databases is considered unreliable, as metrics indicate poor data quality at this position in the gnomAD database. This variant has not been reported in the literature in individuals affected with APOB-related conditions. Advanced modeling of protein sequence and biophysical properties (such as structural, functional, and spatial information, amino acid conservation, physicochemical variation, residue mobility, and thermodynamic stability) performed at Invitae indicates that this missense variant is not expected to disrupt APOB protein function with a negative predictive value of 95%. In summary, the available evidence is currently insufficient to determine the role of this variant in disease. Therefore, it has been classified as a Variant of Uncertain Significance.

Ambry Genetics
Classification: Uncertain significance for Cardiovascular phenotype. Last evaluated: 2024-03-04. Review status: criteria provided, single submitter. Criteria: Ambry Variant Classification Scheme 2023. Collection method: clinical testing. Allele origin: germline.
Comment: The p.Q4180K variant (also known as c.12538C>A), located in coding exon 29 of the APOB gene, results from a C to A substitution at nucleotide position 12538. The glutamine at codon 4180 is replaced by lysine, an amino acid with similar properties. This amino acid position is conserved. In addition, this alteration is predicted to be tolerated by in silico analysis. Based on the available evidence, the clinical significance of this alteration remains unclear.

NM_000384.3(APOB):c.12538C>A (p.Gln4180Lys)

Gene: APOB (apolipoprotein B; minus strand). Cytogenetic location: 2p24.1.
Variant type: single nucleotide variant.
Coding change: c.12538C>A on transcript NM_000384.3 (MANE Select); coding-DNA position 12538, C replaced by A.
Protein change: p.Gln4180Lys; replaces glutamine 4180 with lysine.
Molecular consequence: missense variant.
Genome position (GRCh38, 1-based): chr2:21,002,884, G>T on the plus strand (C>A on the coding strand, the complement: APOB is on the minus strand). VCF-style: chr2-21002884-G-T. GRCh37 (hg19) VCF-style: chr2-21225756-G-T.
Other names: short protein forms Q4180K.
Identifiers: ClinVar variation 3231374 (VCV003231374.3), dbSNP rs371191761, ClinGen allele CA345971027.
Genomic context (GRCh38, chr2:21,002,884, plus strand): 5'-GGAAGTTCAGAAAATCAATGAGTGAGTCAATCAGATGCTTGACTTTCATATGGAATTCTT[G>T]AGTAACTCGTACCAAGCCATCAAACACGTTATCCTTGAGTCCCTGGAAACTGGCTTGGCC-3'
Protein context (NP_000375.3, residues 4170-4190): NVFDGLVRVT[Gln4180Lys]EFHMKVKHLI